The following is an entry in ClinVar:

NM_006206.6(PDGFRA):c.1133A>C (p.Lys378Thr)

Gene: PDGFRA (platelet derived growth factor receptor alpha; plus strand). Cytogenetic location: 4q12.
Variant type: single nucleotide variant.
Coding change: c.1133A>C on transcript NM_006206.6 (MANE Select); coding-DNA position 1133, A replaced by C.
Protein change: p.Lys378Thr; replaces lysine 378 with threonine.
Molecular consequence: missense variant.
Genome position (GRCh38, 1-based): chr4:54,270,644, A>C. VCF-style: chr4-54270644-A-C. GRCh37 (hg19) VCF-style: chr4-55136811-A-C.
Other names: c.1133A>C, p.Lys378Thr (NM_001347827.2, NM_001347829.2); c.1208A>C, p.Lys403Thr (NM_001347828.2); c.1172A>C, p.Lys391Thr (NM_001347830.2); short protein forms K378T, K403T, K391T.
Identifiers: ClinVar variation 579400 (VCV000579400.14), dbSNP rs200113704, ClinGen allele CA2922481.

ClinVar aggregate classification (germline): Conflicting classifications of pathogenicity. Review status: criteria provided, conflicting classifications (1 of 4 stars). 3 submissions from 3 submitters: Uncertain significance (2); Likely benign (1). Last evaluated 2024-08-07.

Conditions:
Hereditary cancer-predisposing syndrome. Also called: Hereditary Cancer Syndrome; Tumor predisposition; Neoplastic Syndromes, Hereditary; Hereditary neoplastic syndrome. Identifiers: Orphanet 140162, MedGen C0027672, MeSH D009386, MONDO:0015356.
Gastrointestinal stromal tumor. Also called: Gastrointestinal stromal tumor, somatic; Gastrointestinal stroma tumor. Identifiers: Orphanet 44890, MedGen C0238198, MeSH D046152, MONDO:0011719, OMIM 606764, HP:0100723.

gnomAD v4.1: 2 of 1,604,024 alleles (0.00012%); highest among the groups gnomAD compares: Admixed American, 0.0017%; no homozygotes.

Submissions (3):

Labcorp Genetics (formerly Invitae), Labcorp
Classification: Uncertain significance for Gastrointestinal stromal tumor. Last evaluated: 2024-08-07. Review status: criteria provided, single submitter. Criteria: Invitae Variant Classification Sherloc (09022015). Collection method: clinical testing. Allele origin: germline.
Comment: This sequence change replaces lysine, which is basic and polar, with threonine, which is neutral and polar, at codon 378 of the PDGFRA protein (p.Lys378Thr). This variant is present in population databases (rs200113704, gnomAD 0.007%). This variant has not been reported in the literature in individuals affected with PDGFRA-related conditions. ClinVar contains an entry for this variant (Variation ID: 579400). Advanced modeling of protein sequence and biophysical properties (such as structural, functional, and spatial information, amino acid conservation, physicochemical variation, residue mobility, and thermodynamic stability) performed at Invitae indicates that this missense variant is not expected to disrupt PDGFRA protein function with a negative predictive value of 80%. In summary, the available evidence is currently insufficient to determine the role of this variant in disease. Therefore, it has been classified as a Variant of Uncertain Significance.

GeneDx
Classification: Uncertain significance. Last evaluated: 2023-05-17. Review status: criteria provided, single submitter. Criteria: GeneDx Variant Classification Process June 2021. Collection method: clinical testing. Allele origin: germline. Affected: yes.
Comment: Not observed at significant frequency in large population cohorts (gnomAD); In silico analysis supports that this missense variant does not alter protein structure/function; Has not been previously published as pathogenic or benign to our knowledge

Ambry Genetics
Classification: Likely benign for Hereditary cancer-predisposing syndrome. Last evaluated: 2021-08-23. Review status: criteria provided, single submitter. Criteria: Ambry Variant Classification Scheme 2023. Collection method: clinical testing. Allele origin: germline.